The following is an entry in ClinVar:

NM_000368.5(TSC1):c.90A>G (p.Lys30=)

Gene: TSC1 (TSC complex subunit 1; minus strand). Cytogenetic location: 9q34.13.
Variant type: single nucleotide variant.
Coding change: c.90A>G on transcript NM_000368.5 (MANE Select); coding-DNA position 90, A replaced by G.
Protein change: p.Lys30=; no amino-acid change (lysine 30 retained).
Molecular consequence: synonymous variant. On other transcripts: 5 prime UTR variant (1).
Genome position (GRCh38, 1-based): chr9:132,928,783, T>C on the plus strand (A>G on the coding strand, the complement: TSC1 is on the minus strand). VCF-style: chr9-132928783-T-C. GRCh37 (hg19) VCF-style: chr9-135804170-T-C.
Other names: c.90A>G, p.Lys30= (NM_001162426.2, NM_001162427.2); c.-170A>G (NM_001362177.2).
Identifiers: ClinVar variation 961099 (VCV000961099.10), dbSNP rs1847032608, ClinGen allele CA467594320.

ClinVar aggregate classification (germline): Benign/Likely benign. Review status: criteria provided, multiple submitters, no conflicts (2 of 4 stars). 4 submissions from 4 submitters: Benign (1); Likely benign (3). Last evaluated 2025-10-26.

Conditions:
Hereditary cancer-predisposing syndrome. Also called: Hereditary neoplastic syndrome; Tumor predisposition; Neoplastic Syndromes, Hereditary; Hereditary Cancer Syndrome. Identifiers: Orphanet 140162, MedGen C0027672, MeSH D009386, MONDO:0015356.
Tuberous sclerosis 1 (TSC1). Identifiers: Orphanet 805, MedGen C1854465, MONDO:0008612, OMIM 191100.
Tuberous sclerosis syndrome (TSC). Also called: Tuberous Sclerosis Complex; Tuberous sclerosis. Identifiers: Orphanet 805, MedGen C0041341, MONDO:0001734.

Allele frequency attached by ClinVar (database versions not stated): gnomAD exomes below 0.00001.
gnomAD v4.1: 2 of 1,614,190 alleles (0.00012%); highest among the groups gnomAD compares: Non-Finnish European, 0.00017%; no homozygotes.

Submissions (4):

Labcorp Genetics (formerly Invitae), Labcorp
Classification: Likely benign for Tuberous sclerosis 1. Last evaluated: 2025-10-26. Review status: criteria provided, single submitter. Criteria: Invitae Variant Classification Sherloc (09022015). Collection method: clinical testing. Allele origin: germline.

Ambry Genetics
Classification: Likely benign for Hereditary cancer-predisposing syndrome. Last evaluated: 2025-09-01. Review status: criteria provided, single submitter. Criteria: Ambry Variant Classification Scheme 2023. Collection method: clinical testing. Allele origin: germline.

Myriad Genetics, Inc.
Classification: Benign for Tuberous sclerosis 1. Last evaluated: 2025-04-07. Review status: criteria provided, single submitter. Criteria: Myriad Autosomal Dominant, Autosomal Recessive and X-Linked Classification Criteria (2023). Collection method: clinical testing. Allele origin: unknown.
Comment: This variant is considered benign. This variant is a silent/synonymous amino acid change and it is not expected to impact splicing.

All of Us Research Program, National Institutes of Health
Classification: Likely benign for Tuberous sclerosis syndrome. Last evaluated: 2023-06-26. Review status: criteria provided, single submitter. Criteria: ACMG Guidelines, 2015. Collection method: clinical testing. Allele origin: germline. Inheritance: Autosomal dominant inheritance. Observed: 1 variant allele, 1 heterozygote.
Comment: This study involves interpretation of variants in research participants for the purpose of population health screening. Participant phenotype was not available at the time of variant classification. Additional details can be found in publication PMID: 35346344, PMCID: PMC8962531